The following is an entry in ClinVar:

ClinVar aggregate classification (germline): Uncertain significance (1 of 4 stars; one submission).

Conditions:
Autosomal dominant nonsyndromic hearing loss 65. Also called: Deafness, autosomal dominant 65; TBC1D24-Related Autosomal Dominant Nonsyndromic Hearing Loss (DFNA). Identifiers: Orphanet 90635, MedGen C3892048, MONDO:0014470, OMIM 616044.
Developmental and epileptic encephalopathy, 1 (DEE1). Also called: X-linked infantile spasms; West's syndrome; Tonic spasms with clustering, arrest of psychomotor development and hypsarrhythmia on EEG; X-Linked Infantile Spasm Syndrome; OHTAHARA SYNDROME, X-LINKED; INFANTILE SPASM SYNDROME, X-LINKED 1. Identifiers: MedGen C3463992, MONDO:0010632, OMIM 308350. Disease mechanism: loss of function.

Submission:

Labcorp Genetics (formerly Invitae), Labcorp
Classification: Uncertain significance for Developmental and epileptic encephalopathy, 1; Autosomal dominant nonsyndromic hearing loss 65. Last evaluated: 2020-11-05. Review status: criteria provided, single submitter. Criteria: Invitae Variant Classification Sherloc (09022015). Collection method: clinical testing. Allele origin: germline.
Comment: This sequence change replaces isoleucine with valine at codon 344 of the TBC1D24 protein (p.Ile344Val). The isoleucine residue is highly conserved and there is a small physicochemical difference between isoleucine and valine. This variant is not present in population databases (ExAC no frequency). This variant has not been reported in the literature in individuals with TBC1D24-related conditions. Advanced modeling of protein sequence and biophysical properties (such as structural, functional, and spatial information, amino acid conservation, physicochemical variation, residue mobility, and thermodynamic stability) performed at Invitae indicates that this missense variant is not expected to disrupt TBC1D24 protein function. In summary, the available evidence is currently insufficient to determine the role of this variant in disease. Therefore, it has been classified as a Variant of Uncertain Significance.

NM_001199107.2(TBC1D24):c.1030A>G (p.Ile344Val)

Gene: TBC1D24 (TBC1 domain family member 24; plus strand). Cytogenetic location: 16p13.3.
Variant type: single nucleotide variant.
Coding change: c.1030A>G on transcript NM_001199107.2 (MANE Select); coding-DNA position 1030, A replaced by G.
Protein change: p.Ile344Val; replaces isoleucine 344 with valine.
Molecular consequence: missense variant.
Genome position (GRCh38, 1-based): chr16:2,498,284, A>G. VCF-style: chr16-2498284-A-G. GRCh37 (hg19) VCF-style: chr16-2548285-A-G.
Other names: c.1012A>G, p.Ile338Val (NM_020705.3); short protein forms I338V, I344V.
Identifiers: ClinVar variation 1496985 (VCV001496985.8), dbSNP rs2141874280, ClinGen allele CA394378578.